The following is an entry in ClinVar:

NM_000179.3(MSH6):c.3007T>C (p.Cys1003Arg)

Gene: MSH6 (mutS homolog 6; plus strand). Cytogenetic location: 2p16.3.
Variant type: single nucleotide variant.
Coding change: c.3007T>C on transcript NM_000179.3 (MANE Select); coding-DNA position 3007, T replaced by C.
Protein change: p.Cys1003Arg; replaces cysteine 1003 with arginine.
Molecular consequence: missense variant. On other transcripts: non-coding transcript variant (5), intron variant (2).
Genome position (GRCh38, 1-based): chr2:47,800,990, T>C. VCF-style: chr2-47800990-T-C. GRCh37 (hg19) VCF-style: chr2-48028129-T-C.
Other names: c.2617T>C, p.Cys873Arg (NM_001281492.2); c.2101T>C, p.Cys701Arg (NM_001281493.2, NM_001281494.2, NM_001406811.1 and 6 more transcripts); c.3103T>C, p.Cys1035Arg (NM_001406795.1, NM_001406802.1); c.3007T>C, p.Cys1003Arg (NM_001406796.1, NM_001406798.1, NM_001406800.1 and 2 more transcripts); c.2710T>C, p.Cys904Arg (NM_001406797.1, NM_001406801.1, NM_001406805.1 and 10 more transcripts); c.2482T>C, p.Cys828Arg (NM_001406799.1, NM_001406806.1, NM_001406807.1); c.2929T>C, p.Cys977Arg (NM_001406804.1); c.3013T>C, p.Cys1005Arg (NM_001406813.1); and 4 more; short protein forms C828R, C977R, C1005R, C1035R, C873R, C904R, C947R, C1003R.
Identifiers: ClinVar variation 2711511 (VCV002711511.4), dbSNP rs893666681, ClinGen allele CA46712688.

ClinVar aggregate classification (germline): Uncertain significance. Review status: criteria provided, multiple submitters, no conflicts (2 of 4 stars). 2 submissions from 2 submitters: Uncertain significance (2). Last evaluated 2025-10-09.

Conditions:
Hereditary nonpolyposis colorectal neoplasms. Identifiers: MedGen C0009405, MeSH D003123.
Hereditary cancer-predisposing syndrome. Also called: Neoplastic Syndromes, Hereditary; Tumor predisposition; Hereditary Cancer Syndrome; Hereditary neoplastic syndrome. Identifiers: Orphanet 140162, MedGen C0027672, MeSH D009386, MONDO:0015356.

Submissions (2):

Labcorp Genetics (formerly Invitae), Labcorp
Classification: Uncertain significance for Hereditary nonpolyposis colorectal neoplasms. Last evaluated: 2025-10-09. Review status: criteria provided, single submitter. Criteria: Invitae Variant Classification Sherloc (09022015). Collection method: clinical testing. Allele origin: germline.
Comment: This sequence change replaces cysteine, which is neutral and slightly polar, with arginine, which is basic and polar, at codon 1003 of the MSH6 protein (p.Cys1003Arg). This variant is not present in population databases (gnomAD no frequency). This variant has not been reported in the literature in individuals affected with MSH6-related conditions. ClinVar contains an entry for this variant (Variation ID: 2711511). Invitae Evidence Modeling of protein sequence and biophysical properties (such as structural, functional, and spatial information, amino acid conservation, physicochemical variation, residue mobility, and thermodynamic stability) indicates that this missense variant is not expected to disrupt MSH6 protein function with a negative predictive value of 95%. In summary, the available evidence is currently insufficient to determine the role of this variant in disease. Therefore, it has been classified as a Variant of Uncertain Significance.

Ambry Genetics
Classification: Uncertain significance for Hereditary cancer-predisposing syndrome. Last evaluated: 2024-03-07. Review status: criteria provided, single submitter. Criteria: Ambry Variant Classification Scheme 2023. Collection method: clinical testing. Allele origin: germline.
Comment: The p.C1003R variant (also known as c.3007T>C), located in coding exon 4 of the MSH6 gene, results from a T to C substitution at nucleotide position 3007. The cysteine at codon 1003 is replaced by arginine, an amino acid with highly dissimilar properties. This amino acid position is conserved. In addition, the in silico prediction for this alteration is inconclusive. Based on the available evidence, the clinical significance of this alteration remains unclear.